The following is an entry in ClinVar:

NM_004304.5(ALK):c.4481G>A (p.Gly1494Glu)

Gene: ALK (ALK receptor tyrosine kinase; minus strand). Cytogenetic location: 2p23.2.
Variant type: single nucleotide variant.
Coding change: c.4481G>A on transcript NM_004304.5 (MANE Select); coding-DNA position 4481, G replaced by A.
Protein change: p.Gly1494Glu; replaces glycine 1494 with glutamic acid.
Molecular consequence: missense variant.
Genome position (GRCh38, 1-based): chr2:29,193,606, C>T on the plus strand (G>A on the coding strand, the complement: ALK is on the minus strand). VCF-style: chr2-29193606-C-T. GRCh37 (hg19) VCF-style: chr2-29416472-C-T.
Other names: c.1277G>A, p.Gly426Glu (NM_001353765.2); short protein forms G1494E, G426E.
Identifiers: ClinVar variation 470874 (VCV000470874.20), dbSNP rs368484630, ClinGen allele CA1593558.
Genomic context (GRCh38, chr2:29,193,606, plus strand): 5'-TTCTCTGTAAACCAGGAGCCGTACGTTGGGTTCCACAAGCTGGTGGGCTTGTTTCTGGAT[C>T]CGTGGACCTTGTGCAACTCCGAAGGAGGGTTGGACTGAGAGAATGCCATATTCACGTGTC-3'
Protein context (NP_004295.2, residues 1484-1504): NPPSELHKVH[Gly1494Glu]SRNKPTSLWN

ClinVar aggregate classification (germline): Uncertain significance. Review status: criteria provided, multiple submitters, no conflicts (2 of 4 stars). 8 submissions from 8 submitters: Uncertain significance (8). Last evaluated 2026-08-06.

Conditions:
ALK-related disorder. Also called: ALK-related condition.
Hereditary cancer-predisposing syndrome. Also called: Tumor predisposition; Hereditary neoplastic syndrome; Neoplastic Syndromes, Hereditary; Hereditary Cancer Syndrome. Identifiers: Orphanet 140162, MedGen C0027672, MeSH D009386, MONDO:0015356.
Neuroblastoma, susceptibility to, 3. Also called: ALK-Related Neuroblastic Tumor Susceptibility. Identifiers: Orphanet 635, MedGen C2751681, MONDO:0013083, OMIM 613014.

Allele frequency attached by ClinVar (database versions not stated): ExAC 0.00002; gnomAD 0.00003; TOPMed 0.00003; gnomAD exomes 0.00004; ESP Exome Variant Server 0.00008.
gnomAD v4.1: 136 of 1,614,114 alleles (0.0084%); highest among the groups gnomAD compares: Non-Finnish European, 0.01%; no homozygotes.

Submissions (8):

PreventionGenetics, part of Exact Sciences
Classification: Uncertain significance for ALK-related condition. Last evaluated: 2026-08-06. Review status: criteria provided, single submitter. Criteria: ACMG Guidelines, 2015. Collection method: clinical testing. Allele origin: germline.
Comment: The ALK c.4481G>A variant is predicted to result in the amino acid substitution p.Gly1494Glu. To our knowledge, this variant has not been reported in the literature. This variant is reported in 0.0085% of alleles in individuals of Latino descent in gnomAD. This variant has an interpretation of uncertain significance in CLinVar (Variation ID: 470874). At this time, the clinical significance of this variant is uncertain due to the absence of conclusive functional and genetic evidence.

Labcorp Genetics (formerly Invitae), Labcorp
Classification: Uncertain significance for Neuroblastoma, susceptibility to, 3. Last evaluated: 2026-01-28. Review status: criteria provided, single submitter. Criteria: Invitae Variant Classification Sherloc (09022015). Collection method: clinical testing. Allele origin: germline.
Comment: This sequence change replaces glycine, which is neutral and non-polar, with glutamic acid, which is acidic and polar, at codon 1494 of the ALK protein (p.Gly1494Glu). This variant is present in population databases (rs368484630, gnomAD 0.006%). This variant has not been reported in the literature in individuals affected with ALK-related conditions. ClinVar contains an entry for this variant (Variation ID: 470874). An algorithm developed to predict the effect of missense changes on protein structure and function (PolyPhen-2) suggests that this variant is likely to be disruptive. In summary, the available evidence is currently insufficient to determine the role of this variant in disease. Therefore, it has been classified as a Variant of Uncertain Significance.

Dasa
Classification: Uncertain significance. Last evaluated: 2025-07-16. Review status: criteria provided, single submitter. Criteria: DASA Assertion Criteria. Collection method: clinical testing. Allele origin: germline.
Comment: NM_004304.5(ALK):c.4481G>A (p.Gly1494Glu) is a missense variant that results in the substitution of glycine with glutamic acid. This variant is rare in population databases. Computational prediction algorithms are consistent with a benign effect. The currently available literature and clinical evidence are not sufficient to establish a definitive association between this variant and the reported condition. Therefore, this variant is classified as a variant of uncertain significance.

Ambry Genetics
Classification: Uncertain significance for Hereditary cancer-predisposing syndrome. Last evaluated: 2024-12-10. Review status: criteria provided, single submitter. Criteria: Ambry Variant Classification Scheme 2023. Collection method: clinical testing. Allele origin: germline.
Comment: The p.G1494E variant (also known as c.4481G>A), located in coding exon 29 of the ALK gene, results from a G to A substitution at nucleotide position 4481. The glycine at codon 1494 is replaced by glutamic acid, an amino acid with similar properties. This amino acid position is well conserved in available vertebrate species. In addition, this alteration is predicted to be tolerated by in silico analysis. Based on the available evidence, the clinical significance of this variant remains unclear.

St. Jude Molecular Pathology, St. Jude Children's Research Hospital
Classification: Uncertain significance for Neuroblastoma, susceptibility to, 3. Last evaluated: 2024-07-25. Review status: criteria provided, single submitter. Criteria: St. Jude Assertion Criteria 2020. Collection method: clinical testing. Allele origin: germline.
Comment: The ALK c.4481G>A (p.Gly1494Glu) missense change has a maximum subpopulation frequency of 0.008% in gnomAD v2.1.1. The in silico tool REVEL predicts a benign effect on protein function, but to our knowledge this prediction has not been confirmed by functional studies. To our knowledge, this variant has not been reported in the literature in individuals with ALK-related neuroblastic tumor susceptibility. In summary, the evidence currently available is insufficient to determine the clinical significance of this variant. It has therefore been classified as of uncertain significance.

Baylor Genetics
Classification: Uncertain significance for Neuroblastoma, susceptibility to, 3. Last evaluated: 2023-10-04. Review status: criteria provided, single submitter. Criteria: ACMG Guidelines, 2015. Collection method: clinical testing. Allele origin: unknown.

GeneDx
Classification: Uncertain significance. Last evaluated: 2023-05-25. Review status: criteria provided, single submitter. Criteria: GeneDx Variant Classification Process June 2021. Collection method: clinical testing. Allele origin: germline.
Comment: In silico analysis supports that this missense variant has a deleterious effect on protein structure/function; Has not been previously published as pathogenic or benign to our knowledge

Sema4
Classification: Uncertain significance for Hereditary cancer-predisposing syndrome. Last evaluated: 2021-07-05. Review status: criteria provided, single submitter. Criteria: Sema4 Curation Guidelines. Collection method: curation. Allele origin: germline.
Comment: The ALK c.4481G>A (p.G1494E) variant has not been reported in the literature to our knowledge. It was observed in 3/35438 chromosomes of the Latino subpopulation in the large and broad cohorts of the Genome Aggregation Database (PMID: 32461654). This variant has been reported in ClinVar (Variation ID 470874). Functional studies have not been performed, and in silico predictions of the variant's effect on protein function are inconclusive. The evidence is insufficient to meet ACMG/AMP criteria for classifying the variant as benign or pathogenic. Thus, the clinical significance of this variant is currently uncertain.